The following is an entry in ClinVar:

NM_145868.2(ANXA11):c.438_461del (p.Thr151_Val158del)

Gene: ANXA11 (annexin A11; minus strand). Cytogenetic location: 10q22.3.
Variant type: Deletion.
Coding change: c.438_461del on transcript NM_145868.2 (MANE Select); coding-DNA positions 438 to 461, 24 bases deleted (GCAGCCACCAGTGACCTACCCTGG).
Protein change: p.Thr151_Val158del.
Molecular consequence: inframe deletion.
Genome position (GRCh38, 1-based): chr10:80,169,069-80,169,092, CCAGGGTAGGTCACTGGTGGCTGC deleted on the plus strand (GCAGCCACCAGTGACCTACCCTGG on the coding strand, the reverse complement: ANXA11 is on the minus strand); deleting any 24 consecutive bases within chr10:80,169,069-80,169,102 gives the same sequence; the c. name uses the placement nearest the transcript's 3' end. VCF-style (leftmost placement, unchanged base first): chr10-80169068-ACCAGGGTAGGTCACTGGTGGCTGC-A. GRCh37 (hg19) VCF-style: chr10-81928824-ACCAGGGTAGGTCACTGGTGGCTGC-A.
Other names: c.438_461del, p.Thr151_Val158del (NM_001157.3, NM_001278407.2, NM_001278408.2 and 1 more transcripts); c.339_362del, p.Thr118_Val125del (NM_001278409.2).
Identifiers: ClinVar variation 2634560 (VCV002634560.7), dbSNP rs929294311, ClinGen allele CA210332589.

ClinVar aggregate classification (germline): Uncertain significance. Review status: criteria provided, multiple submitters, no conflicts (2 of 4 stars). 3 submissions from 3 submitters: Uncertain significance (3). Last evaluated 2025-10-28.

Conditions:
Amyotrophic lateral sclerosis type 23. Identifiers: MedGen C4693381, MONDO:0027694, OMIM 617839.
ANXA11-related disorder. Also called: ANXA11-related condition.

Submissions (3):

PreventionGenetics, part of Exact Sciences
Classification: Uncertain significance for ANXA11-related condition. Last evaluated: 2025-10-28. Review status: criteria provided, single submitter. Criteria: ACMG Guidelines, 2015. Collection method: clinical testing. Allele origin: germline.
Comment: The ANXA11 c.438_461del24 variant is predicted to result in an in-frame deletion (p.Thr151_Val158del). To our knowledge, this variant has not been reported in the literature. This variant is reported in 1 out 174084 of alleles in gnomAD. At this time, the clinical significance of this variant is uncertain due to the absence of conclusive functional and genetic evidence.

Labcorp Genetics (formerly Invitae), Labcorp
Classification: Uncertain significance. Last evaluated: 2024-07-18. Review status: criteria provided, single submitter. Criteria: Invitae Variant Classification Sherloc (09022015). Collection method: clinical testing. Allele origin: germline.
Comment: This variant, c.438_461del, results in the deletion of 8 amino acid(s) of the ANXA11 protein (p.Thr151_Val158del), but otherwise preserves the integrity of the reading frame. This variant is present in population databases (no rsID available, gnomAD no frequency). This variant has not been reported in the literature in individuals affected with ANXA11-related conditions. ClinVar contains an entry for this variant (Variation ID: 2634560). Experimental studies and prediction algorithms are not available or were not evaluated, and the functional significance of this variant is currently unknown. In summary, the available evidence is currently insufficient to determine the role of this variant in disease. Therefore, it has been classified as a Variant of Uncertain Significance.

Juno Genomics, Hangzhou Juno Genomics, Inc
Classification: Uncertain significance for Amyotrophic lateral sclerosis type 23. Review status: criteria provided, single submitter. Criteria: ACMG Guidelines, 2015. Collection method: clinical testing. Allele origin: germline. Affected: yes.
Comment: Absent from controls (or at extremely low frequency if recessive) in Genome Aggregation Database, Exome Sequencing Project, 1000 Genomes Project, or Exome Aggregation Consortium.;Protein length changes due to in-frame deletions/insertions in a non-repeat region or stop-loss variants.